The following is an entry in ClinVar:

NC_000006.11:g.(?_42941721)_(42942796_?)dup

Gene: PEX6 (peroxisomal biogenesis factor 6; minus strand). Cytogenetic location: 6p21.1.
Variant type: Duplication.
Identifiers: ClinVar variation 3245998 (VCV003245998.1).

ClinVar aggregate classification (germline): Likely pathogenic (1 of 4 stars; one submission).

Conditions:
Peroxisome biogenesis disorder. Identifiers: Orphanet 79189, MedGen C1832200, MONDO:0019234. Disease mechanism: loss of function.

Submission:

Labcorp Genetics (formerly Invitae), Labcorp
Classification: Likely pathogenic for Peroxisome biogenesis disorder. Last evaluated: 2022-12-06. Review status: criteria provided, single submitter. Criteria: Invitae Variant Classification Sherloc (09022015). Collection method: clinical testing. Allele origin: unknown.
Comment: In summary, the currently available evidence indicates that the variant is pathogenic, but additional data are needed to prove that conclusively. Therefore, this variant has been classified as Likely Pathogenic. This variant has not been reported in the literature in individuals affected with PEX6-related conditions. This variant results in a copy number gain of the genomic region encompassing exon(s) 2-3 of the PEX6 gene. While the exact position of this variant cannot be determined from the data, sub-genic copy number gains are generally in tandem (PMID: 25640679). This variant is predicted to be out-of-frame, and may result in an absent or disrupted protein product. Loss-of-function variants in PEX6 are known to be pathogenic (PMID: 8670792, 19877282, 21031596).

Literature cited by the submitters: PubMed 25640679; PubMed 8670792; PubMed 19877282; PubMed 21031596.